The following is an entry in ClinVar:

NM_003982.4(SLC7A7):c.1A>G (p.Met1Val)

Genes: SLC7A7 (solute carrier family 7 member 7; minus strand), LOC130055324 (ATAC-STARR-seq lymphoblastoid silent region 5590; plus strand). Cytogenetic location: 14q11.2.
Variant type: single nucleotide variant.
Coding change: c.1A>G on transcript NM_003982.4 (MANE Select); coding-DNA position 1, A replaced by G.
Protein change: p.Met1Val; changes the start codon (methionine 1).
Molecular consequence: missense variant, initiator codon variant.
Genome position (GRCh38, 1-based): chr14:22,813,398, T>C on the plus strand (A>G on the coding strand, the complement: SLC7A7 is on the minus strand). VCF-style: chr14-22813398-T-C. GRCh37 (hg19) VCF-style: chr14-23282607-T-C.
Other names: c.1A>G, p.Met1Val (NM_001126105.3, NM_001126106.4); short protein forms M1V.
Identifiers: ClinVar variation 2155518 (VCV002155518.6), dbSNP rs121908676, ClinGen allele CA388923827.

ClinVar aggregate classification (germline): Likely pathogenic. Review status: criteria provided, multiple submitters, no conflicts (2 of 4 stars). 2 submissions from 2 submitters: Likely pathogenic (2). Last evaluated 2024-05-28.

Conditions:
Lysinuric protein intolerance (LPI). Identifiers: Orphanet 470, MedGen C0268647, MONDO:0009109, OMIM 222700.

Submissions (2):

Fulgent Genetics
Classification: Likely pathogenic for Lysinuric protein intolerance. Last evaluated: 2024-05-28. Review status: criteria provided, single submitter. Criteria: ACMG Guidelines, 2015. Collection method: clinical testing. Allele origin: germline.

Labcorp Genetics (formerly Invitae), Labcorp
Classification: Likely pathogenic for Lysinuric protein intolerance. Last evaluated: 2023-10-18. Review status: criteria provided, single submitter. Criteria: Invitae Variant Classification Sherloc (09022015). Collection method: clinical testing. Allele origin: germline.
Comment: This sequence change affects the initiator methionine of the SLC7A7 mRNA. The next in-frame methionine is located at codon 50. This variant is not present in population databases (gnomAD no frequency). Disruption of the initiator codon has been observed in individual(s) with lysinuric protein intolerance (PMID: 10631139). It has also been observed to segregate with disease in related individuals. ClinVar contains an entry for this variant (Variation ID: 2155518). This variant disrupts a region of the SLC7A7 protein in which other variant(s) (p.Glu36del) have been observed in individuals with SLC7A7-related conditions (PMID: 15756301). This suggests that this is a clinically significant region of the protein, and that variants that disrupt it are likely to be disease-causing. In summary, the currently available evidence indicates that the variant is pathogenic, but additional data are needed to prove that conclusively. Therefore, this variant has been classified as Likely Pathogenic.

Literature cited by the submitters: PubMed 10631139 (cited by Labcorp Genetics (formerly Invitae), Labcorp); PubMed 15756301 (cited by Labcorp Genetics (formerly Invitae), Labcorp).